The following is an entry in ClinVar:

ClinVar aggregate classification (germline): Uncertain significance. Review status: criteria provided, multiple submitters, no conflicts (2 of 4 stars). 4 submissions from 4 submitters: Uncertain significance (4). Last evaluated 2025-08-21.

Conditions:
Inborn genetic diseases. Identifiers: MedGen C0950123, MeSH D030342.

Allele frequency attached by ClinVar (database versions not stated): ExAC 0.00002; gnomAD exomes 0.00002; TOPMed 0.00002; gnomAD 0.00003.
gnomAD v4.1: 36 of 1,613,390 alleles (0.0022%); highest among the groups gnomAD compares: Non-Finnish European, 0.0028%; no homozygotes.

Submissions (4):

Ambry Genetics
Classification: Uncertain significance for Inborn genetic diseases. Last evaluated: 2025-08-21. Review status: criteria provided, single submitter. Criteria: Ambry Variant Classification Scheme 2023. Collection method: clinical testing. Allele origin: germline.

Labcorp Genetics (formerly Invitae), Labcorp
Classification: Uncertain significance. Last evaluated: 2022-05-13. Review status: criteria provided, single submitter. Criteria: Invitae Variant Classification Sherloc (09022015). Collection method: clinical testing. Allele origin: germline.
Comment: This sequence change replaces glutamic acid, which is acidic and polar, with lysine, which is basic and polar, at codon 2832 of the HSPG2 protein (p.Glu2832Lys). This variant is present in population databases (rs757360257, gnomAD 0.004%). This variant has not been reported in the literature in individuals affected with HSPG2-related conditions. ClinVar contains an entry for this variant (Variation ID: 447566). Algorithms developed to predict the effect of missense changes on protein structure and function are either unavailable or do not agree on the potential impact of this missense change (SIFT: "Tolerated"; PolyPhen-2: "Probably Damaging"; Align-GVGD: "Class C0"). In summary, the available evidence is currently insufficient to determine the role of this variant in disease. Therefore, it has been classified as a Variant of Uncertain Significance.

Revvity Omics, Revvity
Classification: Uncertain significance. Last evaluated: 2019-11-14. Review status: criteria provided, single submitter. Criteria: ACMG Guidelines, 2015. Collection method: clinical testing. Allele origin: germline.

Athena Diagnostics
Classification: Uncertain significance. Last evaluated: 2016-08-26. Review status: criteria provided, single submitter. Criteria: Athena Diagnostics Criteria. Collection method: clinical testing. Allele origin: germline.

NM_005529.7(HSPG2):c.8494G>A (p.Glu2832Lys)

Gene: HSPG2 (heparan sulfate proteoglycan 2; minus strand). Cytogenetic location: 1p36.12.
Variant type: single nucleotide variant.
Coding change: c.8494G>A on transcript NM_005529.7 (MANE Select); coding-DNA position 8494, G replaced by A.
Protein change: p.Glu2832Lys; replaces glutamic acid 2832 with lysine.
Molecular consequence: missense variant.
Genome position (GRCh38, 1-based): chr1:21,844,270, C>T on the plus strand (G>A on the coding strand, the complement: HSPG2 is on the minus strand). VCF-style: chr1-21844270-C-T. GRCh37 (hg19) VCF-style: chr1-22170763-C-T.
Other names: c.8494G>A (NM_005529.5); c.8497G>A, p.Glu2833Lys (NM_001291860.2); short protein forms E2832K, E2833K.
Identifiers: ClinVar variation 447566 (VCV000447566.6), dbSNP rs757360257, ClinGen allele CA670757.